The following is an entry in ClinVar:

NM_000406.3(GNRHR):c.415C>T (p.Arg139Cys)

Gene: GNRHR (gonadotropin releasing hormone receptor; minus strand). Cytogenetic location: 4q13.2.
Variant type: single nucleotide variant.
Coding change: c.415C>T on transcript NM_000406.3 (MANE Select); coding-DNA position 415, C replaced by T.
Protein change: p.Arg139Cys; replaces arginine 139 with cysteine.
Molecular consequence: missense variant.
Genome position (GRCh38, 1-based): chr4:67,753,921, G>A on the plus strand (C>T on the coding strand, the complement: GNRHR is on the minus strand). VCF-style: chr4-67753921-G-A. GRCh37 (hg19) VCF-style: chr4-68619639-G-A.
Other names: c.415C>T, p.Arg139Cys (NM_001012763.2); short protein forms R139C.
Identifiers: ClinVar variation 1675193 (VCV001675193.2), dbSNP rs1325732095, ClinGen allele CA357054559.
Genomic context (GRCh38, chr4:67,753,921, plus strand): 5'-TGGACTGTCCGACTTTGCTGTTGCTTTTCAAAGCTAGGGGCCTCGTGATAGCCAGGGAGC[G>A]GTCCAGGCTGATCACCACCATCATGAAGGCTGGGGCATACATGGAGAAAAGCTTTAGATA-3'
Protein context (NP_000397.1, residues 129-149): AFMMVVISLD[Arg139Cys]SLAITRPLAL

ClinVar aggregate classification (germline): Pathogenic (1 of 4 stars; one submission).

Conditions:
Hypogonadotropic hypogonadism 7 with or without anosmia (HH7). Also called: GNRHR-Related GnRH Deficiency; HYPOGONADOTROPIC HYPOGONADISM 7 WITHOUT ANOSMIA. Identifiers: Orphanet 432, MedGen C0342384, MONDO:0007794, OMIM 146110.

Allele frequency attached by ClinVar (database versions not stated): gnomAD 0.00001; gnomAD exomes 0.00001; TOPMed 0.00002.
gnomAD v4.1: 17 of 1,613,216 alleles (0.0011%); highest among the groups gnomAD compares: Admixed American, 0.0033%; no homozygotes.

Submission:

Centre of Medical Genetics, University Hospital Muenster
Classification: Pathogenic for Hypogonadotropic hypogonadism 7 with or without anosmia. Last evaluated: 2018-01-23. Review status: criteria provided, single submitter. Criteria: ACMG Guidelines, 2015. Collection method: clinical testing. Allele origin: germline. Affected: yes. Observed: 1 variant allele, 1 compound heterozygote.
Comment: ACMG categories: PS1,PS5,BP1